The following is an entry in ClinVar:

ClinVar aggregate classification (germline): Uncertain significance (1 of 4 stars; one submission).

Submission:

Labcorp Genetics (formerly Invitae), Labcorp
Classification: Uncertain significance. Last evaluated: 2023-01-30. Review status: criteria provided, single submitter. Criteria: Invitae Variant Classification Sherloc (09022015). Collection method: clinical testing. Allele origin: germline.
Comment: This sequence change replaces aspartic acid, which is acidic and polar, with glutamic acid, which is acidic and polar, at codon 1014 of the NSD1 protein (p.Asp1014Glu). This variant is not present in population databases (gnomAD no frequency). This variant has not been reported in the literature in individuals affected with NSD1-related conditions. Advanced modeling of protein sequence and biophysical properties (such as structural, functional, and spatial information, amino acid conservation, physicochemical variation, residue mobility, and thermodynamic stability) performed at Invitae indicates that this missense variant is not expected to disrupt NSD1 protein function. In summary, the available evidence is currently insufficient to determine the role of this variant in disease. Therefore, it has been classified as a Variant of Uncertain Significance.

NM_022455.5(NSD1):c.3042C>A (p.Asp1014Glu)

Gene: NSD1 (nuclear receptor binding SET domain protein 1; plus strand). Cytogenetic location: 5q35.3.
Variant type: single nucleotide variant.
Coding change: c.3042C>A on transcript NM_022455.5 (MANE Select); coding-DNA position 3042, C replaced by A.
Protein change: p.Asp1014Glu; replaces aspartic acid 1014 with glutamic acid.
Molecular consequence: missense variant.
Genome position (GRCh38, 1-based): chr5:177,211,441, C>A. VCF-style: chr5-177211441-C-A. GRCh37 (hg19) VCF-style: chr5-176638442-C-A.
Other names: c.3042C>A, p.Asp1014Glu (NM_001409301.1, NM_001409302.1, NM_001409303.1); c.2622C>A, p.Asp874Glu (NM_001409304.1); c.2289C>A, p.Asp763Glu (NM_001409305.1); c.2169C>A, p.Asp723Glu (NM_001409306.1, NM_001409307.1, NM_001409308.1 and 3 more transcripts); short protein forms D874E, D723E, D763E, D1014E.
Identifiers: ClinVar variation 3692571 (VCV003692571.2).